The following is an entry in ClinVar:

ClinVar aggregate classification (germline): Likely pathogenic. Review status: reviewed by expert panel (3 of 4 stars). 4 submissions from 4 submitters: Likely pathogenic (1). 3 of the submissions do not count toward it. Last evaluated 2026-08-24.

Conditions:
Developmental and epileptic encephalopathy, 2 (DEE2). Also called: CDKL5 deficiency disorder; INFANTILE SPASM SYNDROME, X-LINKED 2. Identifiers: Orphanet 1934, Orphanet 3451, Orphanet 505652, MedGen C4750718, MONDO:0010396, OMIM 300672.
CDKL5 disorder. Identifiers: MedGen CN296942, MONDO:0100039.
Angelman syndrome-like. Identifiers: MedGen CN128785.

Submissions (4):

ClinGen Rett and Angelman-like Disorders Variant Curation Expert Panel
Classification: Likely pathogenic for CDKL5 disorder. Last evaluated: 2026-08-24. Review status: reviewed by expert panel. Criteria: ClinGen RettAS ACMG Specifications CDKL5 V6.0. Collection method: curation. Allele origin: germline. Inheritance: X-linked inheritance.
Comment: The p.Cys30Tyr variant in CDKL5 has been reported as a de novo occurrence (biological parentage unconfirmed) in an individual with developmental and epileptic encephalopathy (PMID 35701389) (PM6). The p.Cys30Tyr variant has been observed in at least 1 additional individual with clinical features of CDKL5 disorder (internal database - Labcorp (formerly Invitae)) (PS4_Supporting). The p.Cys30Tyr variant occurs in the well-characterized ATP binding region of the CDKL5 gene (PMID: 17993579, 23064044, 28544139, 29264392) (PM1). The p.Cys30Tyr variant in CDKL5 is absent from gnomAD v4.1 (PM2_Supporting). Computational prediction analysis tools suggests a deleterious impact; however, this information does not predict clinical significance on its own (PP3). In summary, the p.Cys30Tyr variant in CDKL5 is classified as Likely Pathogenic for CDKL5 disorder based on the ACMG/AMP criteria (PM1, PM6, PS4_Supporting, PM2_Supporting, PP3). (CDKL5 Specifications v6.0; curation approved on 8/24/2026)

Labcorp Genetics (formerly Invitae), Labcorp
Classification: Pathogenic for Developmental and epileptic encephalopathy, 2; Angelman syndrome-like. Last evaluated: 2025-08-21. Review status: criteria provided, single submitter. Criteria: Invitae Variant Classification Sherloc (09022015). Collection method: clinical testing. Allele origin: germline. Not counted in ClinVar's aggregate classification.
Comment: This sequence change replaces cysteine, which is neutral and slightly polar, with tyrosine, which is neutral and polar, at codon 30 of the CDKL5 protein (p.Cys30Tyr). This variant is not present in population databases (gnomAD no frequency). This missense change has been observed in individual(s) with clinical features of developmental and epileptic encephalopathy (PMID: 35701389; internal data). In at least one individual the variant was observed to be de novo. ClinVar contains an entry for this variant (Variation ID: 487576). Invitae Evidence Modeling of protein sequence and biophysical properties (such as structural, functional, and spatial information, amino acid conservation, physicochemical variation, residue mobility, and thermodynamic stability) indicates that this missense variant is expected to disrupt CDKL5 protein function with a positive predictive value of 95%. For these reasons, this variant has been classified as Pathogenic.

Laboratory of Inherited Metabolic Diseases, Research centre for medical genetics
Classification: Uncertain significance for Developmental and epileptic encephalopathy, 2. Last evaluated: 2020-02-14. Review status: criteria provided, single submitter. Criteria: ACMG Guidelines, 2015. Collection method: clinical testing. Allele origin: unknown. Inheritance: X-linked inheritance. Affected: yes. Not counted in ClinVar's aggregate classification.

HudsonAlpha Institute for Biotechnology
Classification: Likely pathogenic for Developmental and epileptic encephalopathy, 2. Last evaluated: 2017-10-24. Review status: criteria provided, single submitter. Criteria: HA_AGHI_assertions_20171208. Collection method: research. Allele origin: unknown. Affected: yes. Observed: 1 variant allele. Study: AGHI-WGS-HudsonAlpha. Not counted in ClinVar's aggregate classification.

Literature cited by the submitters: PubMed 35701389 (cited by Labcorp Genetics (formerly Invitae), Labcorp).

NM_001323289.2(CDKL5):c.89G>A (p.Cys30Tyr)

Gene: CDKL5 (cyclin dependent kinase like 5; plus strand). Cytogenetic location: Xp22.13.
Variant type: single nucleotide variant.
Coding change: c.89G>A on transcript NM_001323289.2 (MANE Select); coding-DNA position 89, G replaced by A.
Protein change: p.Cys30Tyr; replaces cysteine 30 with tyrosine.
Molecular consequence: missense variant.
Genome position (GRCh38, 1-based): chrX:18,510,844, G>A. VCF-style: chrX-18510844-G-A. GRCh37 (hg19) VCF-style: chrX-18528964-G-A.
Other names: NM_001323289.2(CDKL5):c.89G>A; c.89G>A, p.Cys30Tyr (NM_001037343.2, NM_003159.3); short protein forms C30Y.
Identifiers: ClinVar variation 487576 (VCV000487576.12), dbSNP rs1555940536, ClinGen allele CA412489863.
Genomic context (GRCh38, chrX:18,510,844, plus strand): 5'-TGCGTGCCCTTGATTGTTTACTTCTTTTTATTATAGGAGCCTATGGAGTTGTACTTAAAT[G>A]CAGACACAAGGCAAGTACATTATTTTTAAAAAGAAATATCTGTATATGTTTAACTGTTTT-3'
Protein context (NP_001310218.1, residues 20-40): GEGAYGVVLK[Cys30Tyr]RHKETHEIVA